The following is an entry in ClinVar:

NM_001024630.4(RUNX2):c.88C>G (p.Pro30Ala)

Gene: RUNX2 (RUNX family transcription factor 2; plus strand). Cytogenetic location: 6p21.1.
Variant type: single nucleotide variant.
Coding change: c.88C>G on transcript NM_001024630.4 (MANE Select); coding-DNA position 88, C replaced by G.
Protein change: p.Pro30Ala; replaces proline 30 with alanine.
Molecular consequence: missense variant.
Genome position (GRCh38, 1-based): chr6:45,422,622, C>G. VCF-style: chr6-45422622-C-G. GRCh37 (hg19) VCF-style: chr6-45390359-C-G.
Other names: c.88C>G, p.Pro30Ala (NM_001015051.4); c.46C>G, p.Pro16Ala (NM_001278478.2, NM_001369405.1); short protein forms P16A, P30A.
Identifiers: ClinVar variation 1303448 (VCV001303448.5), dbSNP rs990671181, ClinGen allele CA363957607.

ClinVar aggregate classification (germline): Uncertain significance. Review status: criteria provided, multiple submitters, no conflicts (2 of 4 stars). 2 submissions from 2 submitters: Uncertain significance (2). Last evaluated 2025-01-30.

Allele frequency attached by ClinVar (database versions not stated): TOPMed 0.00001; gnomAD exomes 0.00001.
gnomAD v4.1: 27 of 1,607,148 alleles (0.0017%); highest among the groups gnomAD compares: Non-Finnish European, 0.0021%; no homozygotes.

Submissions (2):

Labcorp Genetics (formerly Invitae), Labcorp
Classification: Uncertain significance. Last evaluated: 2025-01-30. Review status: criteria provided, single submitter. Criteria: Invitae Variant Classification Sherloc (09022015). Collection method: clinical testing. Allele origin: germline.
Comment: This sequence change replaces proline, which is neutral and non-polar, with alanine, which is neutral and non-polar, at codon 30 of the RUNX2 protein (p.Pro30Ala). This variant is present in population databases (no rsID available, gnomAD 0.004%). This variant has not been reported in the literature in individuals affected with RUNX2-related conditions. ClinVar contains an entry for this variant (Variation ID: 1303448). Invitae Evidence Modeling of protein sequence and biophysical properties (such as structural, functional, and spatial information, amino acid conservation, physicochemical variation, residue mobility, and thermodynamic stability) indicates that this missense variant is not expected to disrupt RUNX2 protein function with a negative predictive value of 80%. In summary, the available evidence is currently insufficient to determine the role of this variant in disease. Therefore, it has been classified as a Variant of Uncertain Significance.

GeneDx
Classification: Uncertain significance. Last evaluated: 2019-08-29. Review status: criteria provided, single submitter. Criteria: GeneDx Variant Classification Process June 2021. Collection method: clinical testing. Allele origin: germline. Affected: yes.
Comment: In silico analysis, which includes protein predictors and evolutionary conservation, supports a deleterious effect; Has not been previously published as pathogenic or benign to our knowledge